The following is an entry in ClinVar:

ClinVar aggregate classification (germline): Uncertain significance (1 of 4 stars; one submission).

Conditions:
Ataxia-telangiectasia syndrome (AT). Also called: Ataxia telangiectasia (A-T); Cerebello-oculocutaneous telangiectasia; Immunodeficiency with ataxia telangiectasia; AT, COMPLEMENTATION GROUP C; ATAXIA-TELANGIECTASIA, COMPLEMENTATION GROUP A; ATAXIA-TELANGIECTASIA, FRESNO VARIANT. Identifiers: Orphanet 100, MedGen C0004135, MONDO:0008840, OMIM 208900.

Submission:

Labcorp Genetics (formerly Invitae), Labcorp
Classification: Uncertain significance for Ataxia-telangiectasia syndrome. Last evaluated: 2025-06-18. Review status: criteria provided, single submitter. Criteria: Invitae Variant Classification Sherloc (09022015). Collection method: clinical testing. Allele origin: germline.
Comment: This sequence change falls in intron 18 of the ATM gene. It does not directly change the encoded amino acid sequence of the ATM protein. It affects a nucleotide within the consensus splice site. This variant is not present in population databases (gnomAD no frequency). This variant has not been reported in the literature in individuals affected with ATM-related conditions. ClinVar contains an entry for this variant (Variation ID: 861471). Variants that disrupt the consensus splice site are a relatively common cause of aberrant splicing (PMID: 17576681, 9536098). Algorithms developed to predict the effect of sequence changes on RNA splicing suggest that this variant may disrupt the consensus splice site. In summary, the available evidence is currently insufficient to determine the role of this variant in disease. Therefore, it has been classified as a Variant of Uncertain Significance.

Literature cited by the submitters: PubMed 17576681; PubMed 9536098.

NM_000051.4(ATM):c.2838+5G>T

Gene: ATM (ATM serine/threonine kinase; plus strand). Cytogenetic location: 11q22.3.
Variant type: single nucleotide variant.
Coding change: c.2838+5G>T on transcript NM_000051.4 (MANE Select); 5 bases into the intron after coding-DNA position 2838, G replaced by T.
Molecular consequence: intron variant.
Genome position (GRCh38, 1-based): chr11:108,268,614, G>T. VCF-style: chr11-108268614-G-T. GRCh37 (hg19) VCF-style: chr11-108139341-G-T.
Other names: c.2838+5G>T (NM_001351834.2).
Identifiers: ClinVar variation 861471 (VCV000861471.9), dbSNP rs1555083472, ClinGen allele CA916079936.